The following is an entry in ClinVar:

NM_012434.5(SLC17A5):c.979-2A>G

Gene: SLC17A5 (solute carrier family 17 member 5; minus strand). Cytogenetic location: 6q13.
Variant type: single nucleotide variant.
Coding change: c.979-2A>G on transcript NM_012434.5 (MANE Select); the canonical splice acceptor site of the intron before coding-DNA position 979, A replaced by G.
Molecular consequence: splice acceptor variant.
Genome position (GRCh38, 1-based): chr6:73,615,449, T>C on the plus strand (A>G on the coding strand, the complement: SLC17A5 is on the minus strand). VCF-style: chr6-73615449-T-C. GRCh37 (hg19) VCF-style: chr6-74325172-T-C.
Other names: c.661-2A>G (NM_001382636.1); c.748-2A>G (NM_001382629.1); c.892-2A>G (NM_001382632.1); c.976-2A>G (NM_001382635.1); c.820-2A>G (NM_001382634.1); c.979-2A>G (NM_001382630.1, NM_001382633.1); c.1000-2A>G (NM_001382631.1).
Identifiers: ClinVar variation 556798 (VCV000556798.10), dbSNP rs1554162230, ClinGen allele CA364712442.

ClinVar aggregate classification (germline): Likely pathogenic. Review status: criteria provided, multiple submitters, no conflicts (2 of 4 stars). 3 submissions from 3 submitters: Likely pathogenic (2). 1 of the submissions does not count toward it. Last evaluated 2025-12-14.

Conditions:
Salla disease (SD). Also called: Sialuria, Finnish type; N-acetylneuraminic acid (NANA) storage disease (NSD); Infantile sialic acid storage disorder (ISSD); Less Severe FSASD (Salla Disease). Identifiers: Orphanet 309334, Orphanet 834, MedGen C1096903, MONDO:0011449, OMIM 604369.

Allele frequency attached by ClinVar (database versions not stated): gnomAD exomes below 0.00001.
gnomAD v4.1: 3 of 1,613,892 alleles (0.00019%); highest among the groups gnomAD compares: Non-Finnish European, 0.00025%; no homozygotes.

Submissions (3):

Labcorp Genetics (formerly Invitae), Labcorp
Classification: Likely pathogenic for Salla disease. Last evaluated: 2025-12-14. Review status: criteria provided, single submitter. Criteria: Invitae Variant Classification Sherloc (09022015). Collection method: clinical testing. Allele origin: germline.
Comment: This sequence change affects an acceptor splice site in intron 7 of the SLC17A5 gene. It is expected to disrupt RNA splicing. Variants that disrupt the donor or acceptor splice site typically lead to a loss of protein function (PMID: 16199547), and loss-of-function variants in SLC17A5 are known to be pathogenic (PMID: 10581036, 10947946, 15172001). This variant is not present in population databases (gnomAD no frequency). This variant has not been reported in the literature in individuals affected with SLC17A5-related conditions. ClinVar contains an entry for this variant (Variation ID: 556798). Algorithms developed to predict the effect of sequence changes on RNA splicing suggest that this variant may disrupt the consensus splice site. In summary, the currently available evidence indicates that the variant is pathogenic, but additional data are needed to prove that conclusively. Therefore, this variant has been classified as Likely Pathogenic.

Baylor Genetics
Classification: Likely pathogenic for Salla disease. Last evaluated: 2024-02-11. Review status: criteria provided, single submitter. Criteria: ACMG Guidelines, 2015. Collection method: clinical testing. Allele origin: unknown.

Counsyl
Classification: Likely pathogenic for Salla disease. Last evaluated: 2018-03-06. Review status: no assertion criteria provided. Collection method: clinical testing. Allele origin: unknown. Not counted in ClinVar's aggregate classification.

Literature cited by the submitters: PubMed 16199547 (cited by Labcorp Genetics (formerly Invitae), Labcorp); PubMed 10581036 (cited by Labcorp Genetics (formerly Invitae), Labcorp); PubMed 10947946 (cited by Labcorp Genetics (formerly Invitae), Labcorp); PubMed 15172001 (cited by Labcorp Genetics (formerly Invitae), Labcorp).